The following is an entry in ClinVar:

ClinVar aggregate classification (germline): Uncertain significance (1 of 4 stars; one submission).

Submission:

Labcorp Genetics (formerly Invitae), Labcorp
Classification: Uncertain significance. Last evaluated: 2023-08-10. Review status: criteria provided, single submitter. Criteria: Invitae Variant Classification Sherloc (09022015). Collection method: clinical testing. Allele origin: germline.
Comment: Advanced modeling of protein sequence and biophysical properties (such as structural, functional, and spatial information, amino acid conservation, physicochemical variation, residue mobility, and thermodynamic stability) performed at Invitae indicates that this missense variant is not expected to disrupt SLC12A2 protein function. This variant has not been reported in the literature in individuals affected with SLC12A2-related conditions. This variant is not present in population databases (gnomAD no frequency). This sequence change replaces leucine, which is neutral and non-polar, with isoleucine, which is neutral and non-polar, at codon 906 of the SLC12A2 protein (p.Leu906Ile). In summary, the available evidence is currently insufficient to determine the role of this variant in disease. Therefore, it has been classified as a Variant of Uncertain Significance.

NM_001046.3(SLC12A2):c.2716T>A (p.Leu906Ile)

Gene: SLC12A2 (solute carrier family 12 member 2; plus strand). Cytogenetic location: 5q23.3.
Variant type: single nucleotide variant.
Coding change: c.2716T>A on transcript NM_001046.3 (MANE Select); coding-DNA position 2716, T replaced by A.
Protein change: p.Leu906Ile; replaces leucine 906 with isoleucine.
Molecular consequence: missense variant. On other transcripts: non-coding transcript variant (1).
Genome position (GRCh38, 1-based): chr5:128,167,860, T>A. VCF-style: chr5-128167860-T-A. GRCh37 (hg19) VCF-style: chr5-127503552-T-A.
Other names: c.2716T>A, p.Leu906Ile (NM_001256461.2); short protein forms L906I.
Identifiers: ClinVar variation 2800572 (VCV002800572.3), dbSNP rs2479457007, ClinGen allele CA360752400.
Genomic context (GRCh38, chr5:128,167,860, plus strand): 5'-CTTGGATTTAAGAAAGATTGGTTGCAAGCAGATATGAGGGATGTGGATATGTATATAAAC[T>A]TATTTCAGTAAGTATCTTTTTAATTCAATAATTTAGTTCATTTAGAAAATGTTAATTTTG-3'
Protein context (NP_001037.1, residues 896-916): DMRDVDMYIN[Leu906Ile]FHDAFDIQYG